The following is an entry in ClinVar:

ClinVar aggregate classification (germline): Uncertain significance. Review status: criteria provided, multiple submitters, no conflicts (2 of 4 stars). 2 submissions from 2 submitters: Uncertain significance (2). Last evaluated 2026-01-26.

Conditions:
Inborn genetic diseases. Identifiers: MedGen C0950123, MeSH D030342.

Allele frequency attached by ClinVar (database versions not stated): gnomAD 0.00001; TOPMed 0.00001.
gnomAD v4.1: 4 of 1,614,044 alleles (0.00025%); highest among the groups gnomAD compares: African/African-American, 0.0013%; no homozygotes.

Submissions (2):

GeneDx
Classification: Uncertain significance. Last evaluated: 2026-01-26. Review status: criteria provided, single submitter. Criteria: GeneDx Variant Classification Process June 2021. Collection method: clinical testing. Allele origin: germline.
Comment: Not observed at significant frequency in large population cohorts (gnomAD); In silico analysis supports that this missense variant has a deleterious effect on protein structure/function; Has not been previously published as pathogenic or benign to our knowledge

Ambry Genetics
Classification: Uncertain significance for Inborn genetic diseases. Last evaluated: 2024-01-23. Review status: criteria provided, single submitter. Criteria: Ambry Variant Classification Scheme 2023. Collection method: clinical testing. Allele origin: germline.

NM_001394062.1(MACF1):c.15203A>G (p.Tyr5068Cys)

Gene: MACF1 (microtubule actin crosslinking factor 1; plus strand). Cytogenetic location: 1p34.3.
Variant type: single nucleotide variant.
Coding change: c.15203A>G on transcript NM_001394062.1 (MANE Select); coding-DNA position 15203, A replaced by G.
Protein change: p.Tyr5068Cys; replaces tyrosine 5068 with cysteine.
Molecular consequence: missense variant.
Genome position (GRCh38, 1-based): chr1:39,388,045, A>G. VCF-style: chr1-39388045-A-G. GRCh37 (hg19) VCF-style: chr1-39853717-A-G.
Other names: c.9017A>G, p.Tyr3006Cys (NM_012090.5); short protein forms Y3006C, Y5068C.
Identifiers: ClinVar variation 3121894 (VCV003121894.2), dbSNP rs1198379033, ClinGen allele CA339743973.